The following is an entry in ClinVar:

NM_006231.4(POLE):c.1997A>T (p.Lys666Met)

Gene: POLE (DNA polymerase epsilon, catalytic subunit; minus strand). Cytogenetic location: 12q24.33.
Variant type: single nucleotide variant.
Coding change: c.1997A>T on transcript NM_006231.4 (MANE Select); coding-DNA position 1997, A replaced by T.
Protein change: p.Lys666Met; replaces lysine 666 with methionine.
Molecular consequence: missense variant.
Genome position (GRCh38, 1-based): chr12:132,668,664, T>A on the plus strand (A>T on the coding strand, the complement: POLE is on the minus strand). VCF-style: chr12-132668664-T-A. GRCh37 (hg19) VCF-style: chr12-133245250-T-A.
Other names: short protein forms K666M.
Identifiers: ClinVar variation 2698904 (VCV002698904.3), dbSNP rs1060500796, ClinGen allele CA387354819.
Genomic context (GRCh38, chr12:132,668,664, plus strand): 5'-CCGAGTGCCCACCCAGGCGGCCGACACTCACTGAACTCGCCCCTCCACTGCCAGGCCATC[T>A]TCCGCTGGCAGTTTGCTCCAGGCTTATTGAAGTCACAGGCAGCACAGGTGGCTTCGTCCA-3'
Protein context (NP_006222.2, residues 656-676): FNKPGANCQR[Lys666Met]MAWQWRGEFM

ClinVar aggregate classification (germline): Uncertain significance (1 of 4 stars; one submission).

Submission:

Labcorp Genetics (formerly Invitae), Labcorp
Classification: Uncertain significance. Last evaluated: 2024-01-02. Review status: criteria provided, single submitter. Criteria: Invitae Variant Classification Sherloc (09022015). Collection method: clinical testing. Allele origin: germline.
Comment: This sequence change replaces lysine, which is basic and polar, with methionine, which is neutral and non-polar, at codon 666 of the POLE protein (p.Lys666Met). This variant is not present in population databases (gnomAD no frequency). This variant has not been reported in the literature in individuals affected with POLE-related conditions. Advanced modeling of protein sequence and biophysical properties (such as structural, functional, and spatial information, amino acid conservation, physicochemical variation, residue mobility, and thermodynamic stability) performed at Invitae indicates that this missense variant is not expected to disrupt POLE protein function with a negative predictive value of 80%. In summary, the available evidence is currently insufficient to determine the role of this variant in disease. Therefore, it has been classified as a Variant of Uncertain Significance.